The following is an entry in ClinVar:

NM_006922.4(SCN3A):c.5858C>A (p.Ser1953Tyr)

Gene: SCN3A (sodium voltage-gated channel alpha subunit 3; minus strand). Cytogenetic location: 2q24.3.
Variant type: single nucleotide variant.
Coding change: c.5858C>A on transcript NM_006922.4 (MANE Select); coding-DNA position 5858, C replaced by A.
Protein change: p.Ser1953Tyr; replaces serine 1953 with tyrosine.
Molecular consequence: missense variant.
Genome position (GRCh38, 1-based): chr2:165,090,295, G>T on the plus strand (C>A on the coding strand, the complement: SCN3A is on the minus strand). VCF-style: chr2-165090295-G-T. GRCh37 (hg19) VCF-style: chr2-165946805-G-T.
Other names: c.5711C>A, p.Ser1904Tyr (NM_001081676.2, NM_001081677.2); short protein forms S1904Y, S1953Y.
Identifiers: ClinVar variation 3359337 (VCV003359337.1).

ClinVar aggregate classification (germline): Uncertain significance (1 of 4 stars; one submission).

Submission:

GeneDx
Classification: Uncertain significance. Last evaluated: 2023-06-04. Review status: criteria provided, single submitter. Criteria: GeneDx Variant Classification Process June 2021. Collection method: clinical testing. Allele origin: germline. Affected: yes.
Comment: Has not been previously published as pathogenic or benign to our knowledge; In silico analysis supports that this missense variant does not alter protein structure/function; Not observed at significant frequency in large population cohorts (gnomAD)